The following is an entry in ClinVar:

ClinVar aggregate classification (germline): Uncertain significance. Review status: criteria provided, multiple submitters, no conflicts (2 of 4 stars). 3 submissions from 3 submitters: Uncertain significance (3). Last evaluated 2024-10-18.

Conditions:
Hereditary cancer-predisposing syndrome. Also called: Hereditary neoplastic syndrome; Hereditary Cancer Syndrome; Neoplastic Syndromes, Hereditary; Tumor predisposition. Identifiers: Orphanet 140162, MedGen C0027672, MeSH D009386, MONDO:0015356.
Familial adenomatous polyposis 2. Also called: MYH-associated polyposis; COLORECTAL ADENOMATOUS POLYPOSIS, AUTOSOMAL RECESSIVE; ADENOMAS, MULTIPLE COLORECTAL, AUTOSOMAL RECESSIVE; MUTYH-related attenuated familial adenomatous polyposis; Adenomas, multiple colorectal; FAP type 2. Identifiers: Orphanet 220460, Orphanet 247798, MedGen C3272841, MONDO:0012041, OMIM 608456.

Allele frequency attached by ClinVar (database versions not stated): gnomAD exomes below 0.00001.

Submissions (3):

Labcorp Genetics (formerly Invitae), Labcorp
Classification: Uncertain significance for Familial adenomatous polyposis 2. Last evaluated: 2024-10-18. Review status: criteria provided, single submitter. Criteria: Invitae Variant Classification Sherloc (09022015). Collection method: clinical testing. Allele origin: germline.
Comment: This sequence change replaces lysine, which is basic and polar, with arginine, which is basic and polar, at codon 491 of the MUTYH protein (p.Lys491Arg). This variant is present in population databases (no rsID available, gnomAD 0.003%). This variant has not been reported in the literature in individuals affected with MUTYH-related conditions. ClinVar contains an entry for this variant (Variation ID: 481817). An algorithm developed to predict the effect of missense changes on protein structure and function (PolyPhen-2) suggests that this variant is likely to be disruptive. RNA analysis performed to evaluate the impact of this missense change on mRNA splicing indicates it does not significantly alter splicing (internal data). In summary, the available evidence is currently insufficient to determine the role of this variant in disease. Therefore, it has been classified as a Variant of Uncertain Significance.

Ambry Genetics
Classification: Uncertain significance for Hereditary cancer-predisposing syndrome. Last evaluated: 2024-02-19. Review status: criteria provided, single submitter. Criteria: Ambry Variant Classification Scheme 2023. Collection method: clinical testing. Allele origin: germline.
Comment: The p.K491R variant (also known as c.1472A>G), located in coding exon 14 of the MUTYH gene, results from an A to G substitution at nucleotide position 1472. The lysine at codon 491 is replaced by arginine, an amino acid with highly similar properties. This amino acid position is highly conserved in available vertebrate species. In addition, this alteration is predicted to be deleterious by in silico analysis. Based on the available evidence, the clinical significance of this alteration remains unclear.

Baylor Genetics
Classification: Uncertain significance for Familial adenomatous polyposis 2. Last evaluated: 2023-09-15. Review status: criteria provided, single submitter. Criteria: ACMG Guidelines, 2015. Collection method: clinical testing. Allele origin: unknown.

NM_001048174.2(MUTYH):c.1388A>G (p.Lys463Arg)

Gene: MUTYH (mutY DNA glycosylase; minus strand). Cytogenetic location: 1p34.1.
Variant type: single nucleotide variant.
Coding change: c.1388A>G on transcript NM_001048174.2 (MANE Select); coding-DNA position 1388, A replaced by G.
Protein change: p.Lys463Arg; replaces lysine 463 with arginine.
Molecular consequence: missense variant. On other transcripts: non-coding transcript variant (2).
Genome position (GRCh38, 1-based): chr1:45,331,186, T>C on the plus strand (A>G on the coding strand, the complement: MUTYH is on the minus strand). VCF-style: chr1-45331186-T-C. GRCh37 (hg19) VCF-style: chr1-45796858-T-C.
Other names: c.1388A>G, p.Lys463Arg (NM_001048171.2, NM_001048173.2, NM_001293195.2); c.1391A>G, p.Lys464Arg (NM_001048172.2); c.1472A>G, p.Lys491Arg (NM_001128425.2); c.1433A>G, p.Lys478Arg (NM_001293190.2); c.1421A>G, p.Lys474Arg (NM_001293191.2); c.1112A>G, p.Lys371Arg (NM_001293192.2, NM_001293196.2); c.1043A>G, p.Lys348Arg (NM_001350650.2, NM_001350651.2); c.1463A>G, p.Lys488Arg (NM_012222.3); short protein forms K491R, K463R, K464R, K488R, K348R, K371R, K474R, K478R.
Identifiers: ClinVar variation 481817 (VCV000481817.16), dbSNP rs1431036902, ClinGen allele CA340132473.